The following is an entry in ClinVar:

NM_144997.7(FLCN):c.1346T>C (p.Leu449Pro)

Gene: FLCN (folliculin; minus strand). Cytogenetic location: 17p11.2.
Variant type: single nucleotide variant.
Coding change: c.1346T>C on transcript NM_144997.7 (MANE Select); coding-DNA position 1346, T replaced by C.
Protein change: p.Leu449Pro; replaces leucine 449 with proline.
Molecular consequence: missense variant.
Genome position (GRCh38, 1-based): chr17:17,215,271, A>G on the plus strand (T>C on the coding strand, the complement: FLCN is on the minus strand). VCF-style: chr17-17215271-A-G. GRCh37 (hg19) VCF-style: chr17-17118585-A-G.
Other names: c.1400T>C, p.Leu467Pro (NM_001353229.2); c.1346T>C, p.Leu449Pro (NM_001353230.2, NM_001353231.2); short protein forms L467P, L449P.
Identifiers: ClinVar variation 1358072 (VCV001358072.9), dbSNP rs2144839209, ClinGen allele CA398531403.

ClinVar aggregate classification (germline): Uncertain significance. Review status: criteria provided, multiple submitters, no conflicts (2 of 4 stars). 2 submissions from 2 submitters: Uncertain significance (2). Last evaluated 2025-05-23.

Conditions:
Hereditary cancer-predisposing syndrome. Also called: Hereditary Cancer Syndrome; Hereditary neoplastic syndrome; Tumor predisposition; Neoplastic Syndromes, Hereditary. Identifiers: Orphanet 140162, MedGen C0027672, MeSH D009386, MONDO:0015356.
Birt-Hogg-Dube syndrome. Also called: Birt Hogg Dubé syndrome. Identifiers: Orphanet 122, MedGen C0346010, MONDO:0800444.

Submissions (2):

Ambry Genetics
Classification: Uncertain significance for Hereditary cancer-predisposing syndrome. Last evaluated: 2025-05-23. Review status: criteria provided, single submitter. Criteria: Ambry Variant Classification Scheme 2023. Collection method: clinical testing. Allele origin: germline.
Comment: The p.L449P variant (also known as c.1346T>C), located in coding exon 9 of the FLCN gene, results from a T to C substitution at nucleotide position 1346. The leucine at codon 449 is replaced by proline, an amino acid with similar properties. This amino acid position is conserved. In addition, the in silico prediction for this alteration is inconclusive. Since supporting evidence is limited at this time, the clinical significance of this alteration remains unclear.

Labcorp Genetics (formerly Invitae), Labcorp
Classification: Uncertain significance for Birt-Hogg-Dube syndrome. Last evaluated: 2024-02-26. Review status: criteria provided, single submitter. Criteria: Invitae Variant Classification Sherloc (09022015). Collection method: clinical testing. Allele origin: germline.
Comment: This sequence change replaces leucine, which is neutral and non-polar, with proline, which is neutral and non-polar, at codon 449 of the FLCN protein (p.Leu449Pro). This variant is not present in population databases (gnomAD no frequency). This variant has not been reported in the literature in individuals affected with FLCN-related conditions. ClinVar contains an entry for this variant (Variation ID: 1358072). Advanced modeling of protein sequence and biophysical properties (such as structural, functional, and spatial information, amino acid conservation, physicochemical variation, residue mobility, and thermodynamic stability) performed at Invitae indicates that this missense variant is not expected to disrupt FLCN protein function with a negative predictive value of 80%. In summary, the available evidence is currently insufficient to determine the role of this variant in disease. Therefore, it has been classified as a Variant of Uncertain Significance.